The following is an entry in ClinVar:

ClinVar aggregate classification (germline): Likely benign. Review status: criteria provided, multiple submitters, no conflicts (2 of 4 stars). 4 submissions from 4 submitters: Likely benign (4). Last evaluated 2025-12-24.

Conditions:
Hereditary cancer-predisposing syndrome. Also called: Hereditary Cancer Syndrome; Neoplastic Syndromes, Hereditary; Tumor predisposition; Hereditary neoplastic syndrome. Identifiers: Orphanet 140162, MedGen C0027672, MeSH D009386, MONDO:0015356.
Neurofibromatosis, type 1 (NF1). Also called: Neurofibromatosis, type I; VON RECKLINGHAUSEN DISEASE; NEUROFIBROMATOSIS, TYPE I, SOMATIC; Peripheral type neurofibromatosis. Identifiers: Orphanet 636, MedGen C0027831, MONDO:0018975, OMIM 162200. Disease mechanism: loss of function.

Submissions (4):

Labcorp Genetics (formerly Invitae), Labcorp
Classification: Likely benign for Neurofibromatosis, type 1. Last evaluated: 2025-12-24. Review status: criteria provided, single submitter. Criteria: Invitae Variant Classification Sherloc (09022015). Collection method: clinical testing. Allele origin: germline.

Medical Genetics, University of Parma
Classification: Likely benign for Neurofibromatosis, type 1. Last evaluated: 2022-08-17. Review status: criteria provided, single submitter. Criteria: ACMG Guidelines, 2015. Collection method: clinical testing. Allele origin: germline. Inheritance: Autosomal dominant inheritance. Affected: yes.

Genome-Nilou Lab
Classification: Likely benign for Neurofibromatosis, type 1. Last evaluated: 2022-03-15. Review status: criteria provided, single submitter. Criteria: ACMG Guidelines, 2015. Collection method: clinical testing. Allele origin: germline. Affected: no.

Ambry Genetics
Classification: Likely benign for Hereditary cancer-predisposing syndrome. Last evaluated: 2015-06-04. Review status: criteria provided, single submitter. Criteria: Ambry Autosomal Dominant and X-Linked criteria (10/2015). Collection method: clinical testing. Allele origin: germline. Observed: 1 variant allele.
Comment: Rarity in general population databases (dbSNP, ESP, 1000 Genomes);Synonymous alterations with insufficient evidence to classify as benign

NM_001042492.3(NF1):c.7416T>C (p.Pro2472=)

Gene: NF1 (neurofibromin 1; plus strand). Cytogenetic location: 17q11.2.
Variant type: single nucleotide variant.
Coding change: c.7416T>C on transcript NM_001042492.3 (MANE Select); coding-DNA position 7416, T replaced by C.
Protein change: p.Pro2472=; no amino-acid change (proline 2472 retained).
Molecular consequence: synonymous variant.
Genome position (GRCh38, 1-based): chr17:31,350,277, T>C. VCF-style: chr17-31350277-T-C. GRCh37 (hg19) VCF-style: chr17-29677295-T-C.
Other names: c.7353T>C, p.Pro2451= (NM_000267.4).
Identifiers: ClinVar variation 232216 (VCV000232216.12), dbSNP rs876659624, ClinGen allele CA10580408.